The following is an entry in ClinVar:

ClinVar aggregate classification (germline): Uncertain significance (1 of 4 stars; one submission).

Conditions:
Congenital myasthenic syndrome 4A. Also called: MYASTHENIC SYNDROME, CONGENITAL, 4A, SLOW-CHANNEL, AUTOSOMAL RECESSIVE; Myasthenic syndrome, congenital, 4a, slow-channel; CONGENITAL MYASTHENIC SYNDROME TYPE Ia1. Identifiers: Orphanet 590, MedGen C4225413, MONDO:0011600, OMIM 605809.

Allele frequency attached by ClinVar (database versions not stated): TOPMed below 0.00001.

Submission:

Labcorp Genetics (formerly Invitae), Labcorp
Classification: Uncertain significance for Congenital myasthenic syndrome 4A. Last evaluated: 2024-01-08. Review status: criteria provided, single submitter. Criteria: Invitae Variant Classification Sherloc (09022015). Collection method: clinical testing. Allele origin: germline.
Comment: This sequence change falls in intron 9 of the CHRNE gene. It does not directly change the encoded amino acid sequence of the CHRNE protein. It affects a nucleotide within the consensus splice site. This variant is not present in population databases (gnomAD no frequency). This variant has not been reported in the literature in individuals affected with CHRNE-related conditions. Variants that disrupt the consensus splice site are a relatively common cause of aberrant splicing (PMID: 17576681, 9536098). Algorithms developed to predict the effect of sequence changes on RNA splicing suggest that this variant may disrupt the consensus splice site. In summary, the available evidence is currently insufficient to determine the role of this variant in disease. Therefore, it has been classified as a Variant of Uncertain Significance.

Literature cited by the submitters: PubMed 17576681; PubMed 9536098.

NM_000080.4(CHRNE):c.1032+3A>C

Gene: CHRNE (cholinergic receptor nicotinic epsilon subunit; minus strand). Cytogenetic location: 17p13.2.
Variant type: single nucleotide variant.
Coding change: c.1032+3A>C on transcript NM_000080.4 (MANE Select); 3 bases into the intron after coding-DNA position 1032, A replaced by C.
Molecular consequence: intron variant.
Genome position (GRCh38, 1-based): chr17:4,899,465, T>G on the plus strand (A>C on the coding strand, the complement: CHRNE is on the minus strand). VCF-style: chr17-4899465-T-G. GRCh37 (hg19) VCF-style: chr17-4802760-T-G.
Identifiers: ClinVar variation 2738569 (VCV002738569.3), dbSNP rs897318956, ClinGen allele CA287180550.